The following is an entry in ClinVar:

NM_001478.5(B4GALNT1):c.1378C>T (p.His460Tyr)

Gene: B4GALNT1 (beta-1,4-N-acetyl-galactosaminyltransferase 1; minus strand). Cytogenetic location: 12q13.3.
Variant type: single nucleotide variant.
Coding change: c.1378C>T on transcript NM_001478.5 (MANE Select); coding-DNA position 1378, C replaced by T.
Protein change: p.His460Tyr; replaces histidine 460 with tyrosine.
Molecular consequence: missense variant.
Genome position (GRCh38, 1-based): chr12:57,627,624, G>A on the plus strand (C>T on the coding strand, the complement: B4GALNT1 is on the minus strand). VCF-style: chr12-57627624-G-A. GRCh37 (hg19) VCF-style: chr12-58021407-G-A.
Other names: c.1213C>T, p.His405Tyr (NM_001276468.2); short protein forms H405Y, H460Y.
Identifiers: ClinVar variation 648688 (VCV000648688.10), dbSNP rs1594978157, ClinGen allele CA385493589.

ClinVar aggregate classification (germline): Uncertain significance (1 of 4 stars; one submission).

Conditions:
Spastic paraplegia. Identifiers: MedGen C0037772, HP:0001258.

Submission:

Labcorp Genetics (formerly Invitae), Labcorp
Classification: Uncertain significance for Spastic paraplegia. Last evaluated: 2019-07-15. Review status: criteria provided, single submitter. Criteria: Invitae Variant Classification Sherloc (09022015). Collection method: clinical testing. Allele origin: germline.
Comment: This variant is not present in population databases (ExAC no frequency). Algorithms developed to predict the effect of missense changes on protein structure and function (SIFT, PolyPhen-2, Align-GVGD) all suggest that this variant is likely to be disruptive, but these predictions have not been confirmed by published functional studies and their clinical significance is uncertain. This variant has not been reported in the literature in individuals with B4GALNT1-related disease. This sequence change replaces histidine with tyrosine at codon 460 of the B4GALNT1 protein (p.His460Tyr). The histidine residue is highly conserved and there is a moderate physicochemical difference between histidine and tyrosine. In summary, the available evidence is currently insufficient to determine the role of this variant in disease. Therefore, it has been classified as a Variant of Uncertain Significance.